The following is an entry in ClinVar:

NM_001368894.2(PAX6):c.307C>T (p.Gln103Ter)

Gene: PAX6 (paired box 6; minus strand). Cytogenetic location: 11p13.
Variant type: single nucleotide variant.
Coding change: c.307C>T on transcript NM_001368894.2 (MANE Select); coding-DNA position 307, C replaced by T.
Protein change: p.Gln103Ter; replaces glutamine 103 with a stop codon.
Molecular consequence: nonsense. On other transcripts: 5 prime UTR variant (14), non-coding transcript variant (2), intron variant (8).
Genome position (GRCh38, 1-based): chr11:31,801,653, G>A on the plus strand (C>T on the coding strand, the complement: PAX6 is on the minus strand). VCF-style: chr11-31801653-G-A. GRCh37 (hg19) VCF-style: chr11-31823201-G-A.
Other names: c.265C>T, p.Gln89Ter (NM_000280.6, NM_001127612.3, NM_001258464.2 and 10 more transcripts); c.307C>T, p.Gln103Ter (NM_001258462.3, NM_001258463.2, NM_001310158.2 and 6 more transcripts); c.-475C>T (NM_001310160.2, NM_001368902.2, NM_001368905.2); c.-144C>T (NM_001310161.3, NM_001368899.2, NM_001368900.2 and 8 more transcripts); c.508C>T, p.Gln170Ter (NM_001368910.2); c.310C>T, p.Gln104Ter (NM_001368911.2); c.382C>T, p.Gln128Ter (NM_001368918.2, NM_001368919.2); c.340C>T, p.Gln114Ter (NM_001368920.2); and 3 more; short protein forms Q89*, Q103*, Q104*, Q114*, Q170*, Q128*.
Identifiers: ClinVar variation 430986 (VCV000430986.10), dbSNP rs1131692297, ClinGen allele CA379958636.

ClinVar aggregate classification (germline): Pathogenic. Review status: criteria provided, multiple submitters, no conflicts (2 of 4 stars). 3 submissions from 3 submitters: Pathogenic (2). 1 of the submissions does not count toward it. Last evaluated 2026-04-03.

Conditions:
Irido-corneo-trabecular dysgenesis (ASGD5). Also called: ANTERIOR SEGMENT DYSGENESIS 5. Identifiers: Orphanet 708, MedGen C0344559, MONDO:0011414, OMIM 604229, HP:0000659.
Aniridia 1 (AN1). Identifiers: Orphanet 250923, MedGen C0344542, MONDO:0024507, OMIM 106210.
PAX6-related disorder. Also called: PAX6-related disorders; PAX6-related condition.

Submissions (3):

PreventionGenetics, part of Exact Sciences
Classification: Pathogenic for PAX6-related condition. Last evaluated: 2026-04-03. Review status: criteria provided, single submitter. Criteria: ACMG Guidelines, 2015. Collection method: clinical testing. Allele origin: germline.
Comment: The PAX6 c.307C>T variant is predicted to result in premature protein termination (p.Gln103*). This variant was reported in individuals with aniridia and congenital cataracts (Chograni et al. 2014. PubMed ID: 27081502). This variant has not been reported in a large population database (gnomAD), indicating this variant is rare. Nonsense variants in PAX6 are expected to be pathogenic. This variant is interpreted as pathogenic.

Labcorp Genetics (formerly Invitae), Labcorp
Classification: Pathogenic for Aniridia 1; Irido-corneo-trabecular dysgenesis. Last evaluated: 2021-04-23. Review status: criteria provided, single submitter. Criteria: Invitae Variant Classification Sherloc (09022015). Collection method: clinical testing. Allele origin: germline.
Comment: This variant is not present in population databases (ExAC no frequency). This sequence change creates a premature translational stop signal (p.Gln89*) in the PAX6 gene. It is expected to result in an absent or disrupted protein product. Loss-of-function variants in PAX6 are known to be pathogenic (PMID: 12634864). This variant has been observed in individual(s) with aniridia and bilateral congenital cataracts (PMID: 27081502). It has also been observed to segregate with disease in related individuals. ClinVar contains an entry for this variant (Variation ID: 430986). For these reasons, this variant has been classified as Pathogenic.

Laboratory of Genetic Epidemiology, Research Centre for Medical Genetics
Classification: Pathogenic for Aniridia 1. Review status: no assertion criteria provided. Collection method: research. Allele origin: paternal, de novo. Inheritance: Autosomal dominant inheritance. Affected: yes. Observed: 2 heterozygotes. Not counted in ClinVar's aggregate classification.

Literature cited by the submitters: PubMed 12634864 (cited by Labcorp Genetics (formerly Invitae), Labcorp); PubMed 27081502 (cited by Labcorp Genetics (formerly Invitae), Labcorp); PubMed 28321846 (cited by Laboratory of Genetic Epidemiology, Research Centre for Medical Genetics).